The following is an entry in ClinVar:

NM_006231.4(POLE):c.1087A>G (p.Asn363Asp)

Gene: POLE (DNA polymerase epsilon, catalytic subunit; minus strand). Cytogenetic location: 12q24.33.
Variant type: single nucleotide variant.
Coding change: c.1087A>G on transcript NM_006231.4 (MANE Select); coding-DNA position 1087, A replaced by G.
Protein change: p.Asn363Asp; replaces asparagine 363 with aspartic acid.
Molecular consequence: missense variant.
Genome position (GRCh38, 1-based): chr12:132,675,754, T>C on the plus strand (A>G on the coding strand, the complement: POLE is on the minus strand). VCF-style: chr12-132675754-T-C. GRCh37 (hg19) VCF-style: chr12-133252340-T-C.
Other names: short protein forms N363D.
Identifiers: ClinVar variation 947213 (VCV000947213.9), dbSNP rs2043034693, ClinGen allele CA387361405.
Genomic context (GRCh38, chr12:132,675,754, plus strand): 5'-CAAATGCTGCCCAGTTACTCATAGAGAAGACACAGACTCACCAGTCAAAAAAGTCCCCGT[T>C]GTAGGTGACCATGATGGTGGGTTTGGTCTCCTGGACGTGTTCAAACCACCTTTGGATCAG-3'
Protein context (NP_006222.2, residues 353-373): ETKPTIMVTY[Asn363Asp]GDFFDWPFVE

ClinVar aggregate classification (germline): Uncertain significance (1 of 4 stars; one submission).

Submission:

Labcorp Genetics (formerly Invitae), Labcorp
Classification: Uncertain significance. Last evaluated: 2019-06-18. Review status: criteria provided, single submitter. Criteria: Invitae Variant Classification Sherloc (09022015). Collection method: clinical testing. Allele origin: germline.
Comment: This sequence change replaces asparagine with aspartic acid at codon 363 of the POLE protein (p.Asn363Asp). The asparagine residue is highly conserved and there is a small physicochemical difference between asparagine and aspartic acid. This variant is not present in population databases (ExAC no frequency). This variant has not been reported in the literature in individuals with POLE-related conditions. Algorithms developed to predict the effect of missense changes on protein structure and function are either unavailable or do not agree on the potential impact of this missense change (SIFT: "Deleterious"; PolyPhen-2: "Probably Damaging"; Align-GVGD: "Class C0"). In summary, the available evidence is currently insufficient to determine the role of this variant in disease. Therefore, it has been classified as a Variant of Uncertain Significance.